The following is an entry in ClinVar:

ClinVar aggregate classification (germline): Benign/Likely benign. Review status: criteria provided, multiple submitters, no conflicts (2 of 4 stars). 5 submissions from 5 submitters: Benign (3); Likely benign (2). Last evaluated 2025-10-01.

Conditions:
Intellectual disability, autosomal dominant 14 (CSS2). Also called: COFFIN-SIRIS SYNDROME 2. Identifiers: Orphanet 1465, MedGen C3553247, MONDO:0013819, OMIM 614607.

Allele frequency attached by ClinVar (database versions not stated): gnomAD 0.00005 and 0.00007; TOPMed 0.00019; 1000 Genomes Project 30x 0.00031; 1000 Genomes Project 0.00040.
gnomAD v4.1: 112 of 1,613,016 alleles (0.0069%); highest among the groups gnomAD compares: East Asian, 0.24%; no homozygotes.

Submissions (5):

CeGaT Center for Human Genetics Tuebingen
Classification: Likely benign. Last evaluated: 2025-10-01. Review status: criteria provided, single submitter. Criteria: CeGaT Center For Human Genetics Tuebingen Variant Classification Criteria Version 2. Collection method: clinical testing. Allele origin: germline. Affected: yes. Observed: 1 variant allele.
Comment: ARID1A: BP4

Labcorp Genetics (formerly Invitae), Labcorp
Classification: Benign. Last evaluated: 2025-09-22. Review status: criteria provided, single submitter. Criteria: Invitae Variant Classification Sherloc (09022015). Collection method: clinical testing. Allele origin: germline.

Genome-Nilou Lab
Classification: Benign for Intellectual disability, autosomal dominant 14. Last evaluated: 2021-12-05. Review status: criteria provided, single submitter. Criteria: ACMG Guidelines, 2015. Collection method: clinical testing. Allele origin: germline. Affected: no.

GeneDx
Classification: Benign. Last evaluated: 2021-10-01. Review status: criteria provided, single submitter. Criteria: GeneDx Variant Classification Process June 2021. Collection method: clinical testing. Allele origin: germline. Affected: yes.

Center for Pediatric Genomic Medicine, Children's Mercy Hospital and Clinics
Classification: Likely benign. Last evaluated: 2017-06-05. Review status: criteria provided, single submitter. Criteria: ACMG Guidelines, 2015. Collection method: clinical testing. Allele origin: germline.

NM_006015.6(ARID1A):c.5311C>T (p.Pro1771Ser)

Gene: ARID1A (AT-rich interaction domain 1A; plus strand). Cytogenetic location: 1p36.11.
Variant type: single nucleotide variant.
Coding change: c.5311C>T on transcript NM_006015.6 (MANE Select); coding-DNA position 5311, C replaced by T.
Protein change: p.Pro1771Ser; replaces proline 1771 with serine.
Molecular consequence: missense variant.
Genome position (GRCh38, 1-based): chr1:26,779,209, C>T. VCF-style: chr1-26779209-C-T. GRCh37 (hg19) VCF-style: chr1-27105700-C-T.
Other names: c.4660C>T, p.Pro1554Ser (NM_139135.4); short protein forms P1771S, P1554S.
Identifiers: ClinVar variation 446064 (VCV000446064.20), dbSNP rs187631645, ClinGen allele CA707669.